The following is an entry in ClinVar:

NM_002075.4(GNB3):c.343G>T (p.Gly115Trp)

Gene: GNB3 (G protein subunit beta 3; plus strand). Cytogenetic location: 12p13.31.
Variant type: single nucleotide variant.
Coding change: c.343G>T on transcript NM_002075.4 (MANE Select); coding-DNA position 343, G replaced by T.
Protein change: p.Gly115Trp; replaces glycine 115 with tryptophan.
Molecular consequence: missense variant.
Genome position (GRCh38, 1-based): chr12:6,843,438, G>T. VCF-style: chr12-6843438-G-T. GRCh37 (hg19) VCF-style: chr12-6952602-G-T.
Other names: c.343G>T, p.Gly115Trp (NM_001297571.2); short protein forms G115W.
Identifiers: ClinVar variation 2128156 (VCV002128156.5), dbSNP rs201963490, ClinGen allele CA6417513.
Genomic context (GRCh38, chr12:6,843,438, plus strand): 5'-CTGCGCTCCTCCTGGGTCATGACCTGTGCCTATGCCCCATCAGGGAACTTTGTGGCATGT[G>T]GGGGGCTGGACAACATGTGTTCCATCTACAACCTCAAATCCCGTGAGGGCAATGTCAAGG-3'
Protein context (NP_002066.1, residues 105-125): YAPSGNFVAC[Gly115Trp]GLDNMCSIYN

ClinVar aggregate classification (germline): Uncertain significance. Review status: criteria provided, multiple submitters, no conflicts (2 of 4 stars). 2 submissions from 2 submitters: Uncertain significance (2). Last evaluated 2023-11-10.

Allele frequency attached by ClinVar (database versions not stated): 1000 Genomes Project 30x 0.00016.
gnomAD v4.1: 10 of 1,613,956 alleles (0.00062%); highest among the groups gnomAD compares: South Asian, 0.0033%; no homozygotes.

Submissions (2):

Blueprint Genetics
Classification: Uncertain significance. Last evaluated: 2023-11-10. Review status: criteria provided, single submitter. Criteria: ACMG Guidelines, 2015. Collection method: clinical testing. Allele origin: germline.

Labcorp Genetics (formerly Invitae), Labcorp
Classification: Uncertain significance. Last evaluated: 2022-05-19. Review status: criteria provided, single submitter. Criteria: Invitae Variant Classification Sherloc (09022015). Collection method: clinical testing. Allele origin: germline.
Comment: This sequence change replaces glycine, which is neutral and non-polar, with tryptophan, which is neutral and slightly polar, at codon 115 of the GNB3 protein (p.Gly115Trp). This variant is present in population databases (rs201963490, gnomAD 0.003%). This variant has not been reported in the literature in individuals affected with GNB3-related conditions. Algorithms developed to predict the effect of missense changes on protein structure and function (SIFT, PolyPhen-2, Align-GVGD) all suggest that this variant is likely to be disruptive. In summary, the available evidence is currently insufficient to determine the role of this variant in disease. Therefore, it has been classified as a Variant of Uncertain Significance.